The following is an entry in ClinVar:

ClinVar aggregate classification (germline): Pathogenic (1 of 4 stars; one submission).

Conditions:
Cardiovascular phenotype. Identifiers: MedGen CN230736.

Submission:

Ambry Genetics
Classification: Pathogenic for Cardiovascular phenotype. Last evaluated: 2025-07-30. Review status: criteria provided, single submitter. Criteria: Ambry Variant Classification Scheme 2023. Collection method: clinical testing. Allele origin: germline.
Comment: The c.3568delC pathogenic mutation, located in coding exon 32 of the MYBPC3 gene, results from a deletion of one nucleotide at nucleotide position 3568, causing a translational frameshift with a predicted alternate stop codon (p.R1190Afs*47). This variant was reported in individual(s) with features consistent with hypertrophic cardiomyopathy (Ambry internal data). This variant is considered to be rare based on population cohorts in the Genome Aggregation Database (gnomAD). This alteration is expected to result in loss of function by premature protein truncation or nonsense-mediated mRNA decay. As such, this alteration is interpreted as a disease-causing mutation.

NM_000256.3(MYBPC3):c.3568del (p.Arg1190fs)

Gene: MYBPC3 (myosin binding protein C3; minus strand). Cytogenetic location: 11p11.2.
Variant type: Deletion.
Coding change: c.3568del on transcript NM_000256.3 (MANE Select); coding-DNA position 3568, one base deleted (C; older notation c.3568delC).
Protein change: p.Arg1190fs; shifts the reading frame from arginine 1190.
Molecular consequence: frameshift variant.
Genome position (GRCh38, 1-based): chr11:47,332,625, G deleted on the plus strand (C on the coding strand, the reverse complement: MYBPC3 is on the minus strand); the first of 2 consecutive G bases (chr11:47,332,625-47,332,626); deleting either gives the same sequence. VCF-style (leftmost placement, unchanged base first): chr11-47332624-CG-C. GRCh37 (hg19) VCF-style: chr11-47354175-CG-C.
Other names: c.3568delC (NM_000256.3); short protein forms R1190fs.
Identifiers: ClinVar variation 4114326 (VCV004114326.1).
Genomic context (GRCh38, chr11:47,332,624, plus strand): 5'-ACCTTGGGGCTACCCCGGACAGCACAGCAGAGCATAGCAGTGTAGCCCGCGATGACCGAG[CG>C]GTTCACCAGGGGCTGGGTGAAGCTTGGGGCCTCGGAGAAGTCCAGGGCCTTATAGTTGGG-3'